The following is an entry in ClinVar:

NM_001267550.2(TTN):c.63793G>A (p.Asp21265Asn)

Genes: TTN (titin; minus strand), TTN-AS1 (TTN antisense RNA 1; plus strand). Cytogenetic location: 2q31.2.
Variant type: single nucleotide variant.
Coding change: c.63793G>A on transcript NM_001267550.2 (MANE Select); coding-DNA position 63793, G replaced by A.
Protein change: p.Asp21265Asn; replaces aspartic acid 21265 with asparagine.
Molecular consequence: missense variant.
Genome position (GRCh38, 1-based): chr2:178,587,516, C>T on the plus strand (G>A on the coding strand, the complement: TTN is on the minus strand). VCF-style: chr2-178587516-C-T. GRCh37 (hg19) VCF-style: chr2-179452243-C-T.
Other names: p.D19624N:GAC>AAC; c.36598G>A, p.Asp12200Asn (NM_003319.4); c.56089G>A, p.Asp18697Asn (NM_133378.4); c.36973G>A, p.Asp12325Asn (NM_133432.3); c.37174G>A, p.Asp12392Asn (NM_133437.4); c.58870G>A, p.Asp19624Asn (NM_001256850.1); short protein forms D19624N, D21265N, D12392N, D18697N, D12200N, D12325N.
Identifiers: ClinVar variation 202779 (VCV000202779.26), dbSNP rs794729474, ClinGen allele CA310261.

ClinVar aggregate classification (germline): Conflicting classifications of pathogenicity. Review status: criteria provided, conflicting classifications (1 of 4 stars). 9 submissions from 9 submitters: Pathogenic (1); Likely pathogenic (4); Uncertain significance (3); Likely benign (1). Last evaluated 2026-07-22.

Conditions:
Autosomal recessive titinopathy. Identifiers: MedGen CN315649, MONDO:0100493.
Dilated cardiomyopathy 1G (CMD1G). Identifiers: Orphanet 154, MedGen C1858763, MONDO:0011400, OMIM 604145.
Autosomal recessive limb-girdle muscular dystrophy type 2J (LGMDR10). Also called: MUSCULAR DYSTROPHY, LIMB-GIRDLE, AUTOSOMAL RECESSIVE 10; Limb-girdle muscular dystrophy, type 2J. Identifiers: Orphanet 140922, MedGen C1837342, MONDO:0012127, OMIM 608807.
Cardiovascular phenotype. Identifiers: MedGen CN230736.
Tibial muscular dystrophy (TMD). Also called: Udd Distal Myopathy – Tibial Muscular Dystrophy; Tibial muscular dystrophy, tardive; UDD MYOPATHY. Identifiers: Orphanet 609, MedGen C1838244, MONDO:0010870, OMIM 600334.
Myopathy, myofibrillar, 9, with early respiratory failure (MFM9). Also called: Hereditary myopathy with early respiratory failure; EDSTROM MYOPATHY; Myopathy, distal, with early respiratory failure, autosomal dominant; MYOPATHY, PROXIMAL, WITH EARLY RESPIRATORY MUSCLE INVOLVEMENT. Identifiers: Orphanet 178464, Orphanet 34521, MedGen C1863599, MONDO:0011362, OMIM 603689.
Early-onset myopathy with fatal cardiomyopathy (CMYO5). Also called: CONGENITAL MYOPATHY 5 WITH CARDIOMYOPATHY; Salih Myopathy. Identifiers: Orphanet 289377, MedGen C2673677, MONDO:0012714, OMIM 611705. Disease mechanism: loss of function.
Hypertrophic cardiomyopathy 9. Also called: Familial hypertrophic cardiomyopathy 9. Identifiers: MedGen C1861065, MONDO:0013412, OMIM 613765.
Cardiomyopathy (CMYO). Also called: Cardiomyopathies. Identifiers: Orphanet 167848, MedGen C0878544, MONDO:0004994, HP:0001638. Inheritance: Various modes of inheritance.

Allele frequency attached by ClinVar (database versions not stated): gnomAD exomes 0.00008 and 0.00001; gnomAD 0.00003; TOPMed 0.00002.
gnomAD v4.1: 112 of 1,608,926 alleles (0.007%); highest among the groups gnomAD compares: Non-Finnish European, 0.0093%; no homozygotes.

Submissions 1 to 4 of 10:

Ambry Genetics
Classification: Uncertain significance for Cardiovascular phenotype. Last evaluated: 2026-07-22. Review status: criteria provided, single submitter. Criteria: Ambry Variant Classification Scheme 2023. Collection method: clinical testing. Allele origin: germline.
Comment: The c.36598G>A variant (also known as p.D12200N), located in coding exon 133 of the TTN gene, results from a G to A substitution at nucleotide position 36598. The amino acid change results in aspartic acid to asparagine at codon 12200, an amino acid with highly similar properties. However, this change occurs in the last base pair of coding exon 133, which makes it likely to have some effect on normal mRNA splicing. This variant was reported in individual(s) with features consistent with TTN-related dilated cardiomyopathy (Ghani M et al. J Mol Diagn, 2019 Jul;21:602-611; Singer ES et al. NPJ Genom Med, 2023 Oct;8:29; Ambry internal data; external communication). This nucleotide position is highly conserved in available vertebrate species. This amino acid position is highly conserved in available vertebrate species. In silico splice site analysis predicts that this alteration will weaken the native splice donor site. In addition, as a missense substitution this alteration is predicted to be tolerated by in silico analysis. Based on the available evidence, the clinical significance of this variant remains unclear.

GeneDx
Classification: Likely pathogenic. Last evaluated: 2026-04-16. Review status: criteria provided, single submitter. Criteria: GeneDx Variant Classification Process June 2021. Collection method: clinical testing. Allele origin: germline.
Comment: RNA studies demonstrate a damaging effect due to retention of an intron leading to a frameshift and a premature stop codon (PMID: 35476365, 37821546); Located in the A-band, a region of TTN for which truncating variants are significantly associated with autosomal dominant cardiomyopathy and also with autosomal recessive skeletal myopathies (PMID: 22335739, 32778822); Not observed at significant frequency in large population cohorts (gnomAD); In silico analysis supports a deleterious effect on splicing; This variant is associated with the following publications: (PMID: 31983221, 35476365, 23396983, 31561939, 37821546, 22335739, 32778822)

Victorian Clinical Genetics Services, Murdoch Childrens Research Institute
Classification: Likely pathogenic for Dilated cardiomyopathy 1G. Last evaluated: 2026-03-26. Review status: criteria provided, single submitter. Criteria: ACMG Guidelines, 2015. Collection method: clinical testing. Allele origin: germline. Affected: yes.
Comment: This variant is classified as Likely pathogenic. Evidence in support of pathogenic classification: Splice site variant proven to affect splicing of the transcript with a known effect on protein sequence. Analysis of RNA from peripheral blood demonstrated that this variant results in the inclusion of a 98 base pair pseudoexon, leading to a frameshift and premature termination codon 14 amino acids downstream, which is predicted to undergo nonsense-mediated decay (Centenary institute personal correspondence, PMID: 37821546); Variant is present in gnomAD <0.01 (v4: 112 heterozygote(s), 0 homozygote(s)); This variant has moderate evidence for segregation with disease. This variant has been shown to segregate with disease in two families (Centenary personal correspondence; GeneDx personal correspondence); Other NMD-predicted variants comparable to the one identified in this case have strong previous evidence for pathogenicity (ClinVar). Additional information: This variant is heterozygous; This gene is associated with both recessive and dominant disease (OMIM). - Previous reports of pathogenicity for this variant are conflicting. This variant has been classified as likely benign, VUS, likely pathogenic and pathogenic in ClinVar by clinical laboratories, and reported in individuals with DCM and HCM in the literature (PMIDs: 31983221, 23396983, GeneDx personal correspondence, VCGS); Variant is located in the annotated A-band and the exon has a PSI score of 100% (PMID: 25589632). - Loss of function is a known mechanism of disease in this gene. In addition, dominant-negative is also a suggested mechanism (PMID: 25589632); The condition associated with this gene has incomplete penetrance. Variants in this gene that result in a premature termination codon (PTC) are known to have reduced penetrance in DCM (PMID: 25589632); Inheritance information for this variant is not currently available in this individual.

Women's Health and Genetics/Laboratory Corporation of America, LabCorp
Classification: Likely pathogenic for Autosomal recessive titinopathy. Last evaluated: 2026-01-26. Review status: criteria provided, single submitter. Criteria: LabCorp Variant Classification Summary - May 2015. Collection method: clinical testing. Allele origin: germline.
Comment: Variant summary: TTN NM_133378:c.56089G>A (p.Asp18697Asn) (also known as NM_001267550:c.63793G>A (p.Asp21265Asn)) results in a conservative amino acid change located in the A-band region of the encoded protein sequence. Algorithms developed to predict the effect of missense changes on protein structure and function are either unavailable or do not agree on the potential impact of this missense change. In addition, this variant is located at the last nucleotide of the exon, therefore might affect splicing. Several computational tools predict a significant impact on normal splicing: 4 predict the variant abolishes/weakens the 5' splicing donor site. These predictions have been confirmed by a functional study, where the variant was demonstrated to result in aberrant splicing in a blood derived RNA sample (Wai_2022). Loss of function variants in all TTN bands are strongly associated with a spectrum of autosomal recessive titinopathies when exon expression (proportion spliced in, PSI, 1=complete expression) in skeletal muscle is >0.1 (PMID: 36977548, 39198997, 29598826, 32778822, 29691892, 33449170, 36977548, internal data). In contrast, loss of function variants in all TTN bands are only strongly associated with autosomal dominant TTN-related cardiomyopathies if located in exons constitutively expressed (PSI >0.9) in cardiac muscle, excluding extreme C-terminal exons 359-363 (PMID: 25589632, 31216868, 32964742, 34662387, 27869827, Shetty et al., Nat Cardiovasc Res 2024,, internal data). This variant has a maximum skeletal muscle PSI of 0.935 and a maximum cardiac muscle PSI of 1. The variant allele was found at a frequency of 8.2e-06 in 244200 control chromosomes (gnomAD). The variant, c.56089G>A, has been observed in individuals affected with dilated cardiomyopathy and myopathy (e.g. Mazzarotto_2020, Bugiardini_2019, Labcorp Genetics (formerly Invitae) internal data). These data indicate that the variant is likely to be associated with disease. The following publications have been ascertained in the context of this evaluation (PMID: 35476365, 31983221, 31561939). ClinVar contains an entry for this variant (Variation ID: 202779). Based on the evidence outlined above, the variant was classified as likely pathogenic for both autosomal dominant and autosomal recessive TTN-related conditions.